The following is an entry in ClinVar:

NM_005219.5(DIAPH1):c.3748G>A (p.Val1250Met)

Gene: DIAPH1 (diaphanous related formin 1; minus strand). Cytogenetic location: 5q31.3.
Variant type: single nucleotide variant.
Coding change: c.3748G>A on transcript NM_005219.5 (MANE Select); coding-DNA position 3748, G replaced by A.
Protein change: p.Val1250Met; replaces valine 1250 with methionine.
Molecular consequence: missense variant. On other transcripts: 3 prime UTR variant (1).
Genome position (GRCh38, 1-based): chr5:141,516,922, C>T on the plus strand (G>A on the coding strand, the complement: DIAPH1 is on the minus strand). VCF-style: chr5-141516922-C-T. GRCh37 (hg19) VCF-style: chr5-140896489-C-T.
Other names: c.3721G>A, p.Val1241Met (NM_001079812.3); c.*48G>A (NM_001314007.2); short protein forms V1250M, V1241M.
Identifiers: ClinVar variation 1525301 (VCV001525301.8), dbSNP rs1320235178, ClinGen allele CA361572217.
Genomic context (GRCh38, chr5:141,516,922, plus strand): 5'-GGCCAACCAACTCCTTGGCTTCCTCAAGGATTGTGGGGAATGTCTCACTGTTCTTGGACA[C>T]CTTGGCAGGAACAGCAGCCATGGCATCATCCTTGGTCAGCTCCGAAGCTAGCAGAGATGT-3'
Protein context (NP_005210.3, residues 1240-1260): DDAMAAVPAK[Val1250Met]SKNSETFPTI

ClinVar aggregate classification (germline): Uncertain significance (1 of 4 stars; one submission).

Conditions:
Autosomal dominant nonsyndromic hearing loss 1. Also called: KONIGSMARK SYNDROME; DEAFNESS, AUTOSOMAL DOMINANT 1, WITH OR WITHOUT THROMBOCYTOPENIA. Identifiers: Orphanet 90635, MedGen C1852282, MONDO:0007424, OMIM 124900.
Progressive microcephaly-seizures-cortical blindness-developmental delay syndrome. Also called: Seizures, cortical blindness, and microcephaly syndrome. Identifiers: Orphanet 477814, MedGen C5567650, MONDO:0014714, OMIM 616632.

Allele frequency attached by ClinVar (database versions not stated): gnomAD exomes below 0.00001.
gnomAD v4.1: 2 of 1,614,124 alleles (0.00012%); highest among the groups gnomAD compares: Admixed American, 0.0033%; no homozygotes.

Submission:

Labcorp Genetics (formerly Invitae), Labcorp
Classification: Uncertain significance for Progressive microcephaly-seizures-cortical blindness-developmental delay syndrome; Autosomal dominant nonsyndromic hearing loss 1. Last evaluated: 2025-05-21. Review status: criteria provided, single submitter. Criteria: Invitae Variant Classification Sherloc (09022015). Collection method: clinical testing. Allele origin: germline.
Comment: This sequence change replaces valine, which is neutral and non-polar, with methionine, which is neutral and non-polar, at codon 1250 of the DIAPH1 protein (p.Val1250Met). This variant is present in population databases (no rsID available, gnomAD 0.003%). This variant has not been reported in the literature in individuals affected with DIAPH1-related conditions. ClinVar contains an entry for this variant (Variation ID: 1525301). An algorithm developed to predict the effect of missense changes on protein structure and function outputs the following: PolyPhen-2: "Benign". The methionine amino acid residue is found in multiple mammalian species, which suggests that this missense change does not adversely affect protein function. In summary, the available evidence is currently insufficient to determine the role of this variant in disease. Therefore, it has been classified as a Variant of Uncertain Significance.